The following is an entry in ClinVar:

NM_138694.4(PKHD1):c.847T>C (p.Phe283Leu)

Gene: PKHD1 (PKHD1 ciliary IPT domain containing fibrocystin/polyductin; minus strand). Cytogenetic location: 6p12.2.
Variant type: single nucleotide variant.
Coding change: c.847T>C on transcript NM_138694.4 (MANE Select); coding-DNA position 847, T replaced by C.
Protein change: p.Phe283Leu; replaces phenylalanine 283 with leucine.
Molecular consequence: missense variant.
Genome position (GRCh38, 1-based): chr6:52,066,009, A>G on the plus strand (T>C on the coding strand, the complement: PKHD1 is on the minus strand). VCF-style: chr6-52066009-A-G. GRCh37 (hg19) VCF-style: chr6-51930807-A-G.
Other names: c.847T>C, p.Phe283Leu (NM_170724.3); c.847T>C (NM_138694.3); short protein forms F283L.
Identifiers: ClinVar variation 497776 (VCV000497776.18), dbSNP rs375145340, ClinGen allele CA3853741.

ClinVar aggregate classification (germline): Conflicting classifications of pathogenicity. Review status: criteria provided, conflicting classifications (1 of 4 stars). 8 submissions from 8 submitters: Likely pathogenic (5); Uncertain significance (3). Last evaluated 2026-08-20.

Conditions:
PKHD1-related disorder. Also called: PKHD1-related condition.
Polycystic kidney disease 4 (PKD4). Also called: POLYCYSTIC KIDNEY AND HEPATIC DISEASE 1; POLYCYSTIC KIDNEY DISEASE, INFANTILE, TYPE I; PKD3; POLYCYSTIC KIDNEY DISEASE 4 WITH OR WITHOUT POLYCYSTIC LIVER DISEASE; Autosomal Recessive Polycystic Kidney Disease – PKHD1. Identifiers: MedGen C4540575, MONDO:0033004, OMIM 263200.
Autosomal recessive polycystic kidney disease (ARPKD). Also called: AR polycystic kidney disease. Identifiers: Orphanet 731, Orphanet 8378, MedGen C0085548, MeSH D017044, MONDO:0009889.

Allele frequency attached by ClinVar (database versions not stated): gnomAD below 0.00001 and 0.00003; ExAC 0.00004; gnomAD exomes 0.00005; 1000 Genomes Project 30x 0.00031; 1000 Genomes Project 0.00040.
gnomAD v4.1: 43 of 1,599,124 alleles (0.0027%); highest among the groups gnomAD compares: South Asian, 0.028%; no homozygotes.

Submissions (8):

Myriad Genetics, Inc.
Classification: Uncertain significance for Polycystic kidney disease 4. Last evaluated: 2026-08-20. Review status: criteria provided, single submitter. Criteria: Myriad Autosomal Dominant, Autosomal Recessive and X-Linked Classification Criteria (2023). Collection method: clinical testing. Allele origin: unknown.
Comment: NM_138694.3(PKHD1):c.847T>C(F283L) is a missense variant classified as a variant of uncertain significance in the context of autosomal recessive polycystic kidney disease, PKHD1-related. F283L has been observed in cases with relevant disease (PMID: 21407107, 33940108, Yan_2016_(article)). Relevant functional assessments of this variant are not available in the literature. F283L has been observed in referenced population frequency databases. In summary, there is insufficient evidence to classify NM_138694.3(PKHD1):c.847T>C(F283L) as pathogenic or benign. Please note: this variant was assessed in the context of healthy population screening.

PreventionGenetics, part of Exact Sciences
Classification: Likely pathogenic for PKHD1-related condition. Last evaluated: 2026-07-02. Review status: criteria provided, single submitter. Criteria: ACMG Guidelines, 2015. Collection method: clinical testing. Allele origin: germline.
Comment: The PKHD1 c.847T>C variant is predicted to result in the amino acid substitution p.Phe283Leu. This variant has been reported in the compound heterozygous state with different truncating PKHD1 variants in two Chinese patients with autosomal recessive polycystic kidney disease (ARPKD) (Hu et al. 2018. PubMed ID: 29095814; Qiu et al. 2020. PubMed ID: 33123899). This variant is reported in 0.038% of alleles in individuals of East Asian descent in gnomAD. This variant is interpreted as likely pathogenic.

Victorian Clinical Genetics Services, Murdoch Childrens Research Institute
Classification: Likely pathogenic for Polycystic kidney disease 4. Last evaluated: 2026-06-25. Review status: criteria provided, single submitter. Criteria: ACMG Guidelines, 2015. Collection method: clinical testing. Allele origin: germline. Affected: yes.
Comment: This variant is classified as Likely pathogenic. Evidence in support of pathogenic classification: Variant is present in gnomAD <0.01 for a recessive condition (v4: 43 heterozygote(s), 0 homozygote(s)) - This variant has strong previous evidence of pathogenicity in unrelated individuals. This variant has been classified as likely pathogenic and as a VUS by clinical laboratories in ClinVar. It has also been reported as compound heterozygous in two individuals with polycystic kidney disease in the literature (PMIDs: 29095814, 33123899). - Another missense variant comparable to the one identified in this case has limited previous evidence for pathogenicity. p.(Phe283Ile) has been classified as likely pathogenic by a clinical laboratory in ClinVar. Additional information: Variant is predicted to result in a missense amino acid change from Phe to Leu; This variant is heterozygous; This gene is associated with autosomal recessive disease, however there are emerging reports of heterozygous carriers of PKHD1 variants developing liver cysts and nephrocalcinosis (PMID: 21945273, 36691356); Alternative amino acid change(s) at the same position are present in gnomAD (highest allele count: v4: 1 heterozygote(s), 0 homozygote(s)); No published segregation evidence has been identified for this variant; No published functional evidence has been identified for this variant; Variant is located in the annotated TIG domain (DECIPHER); Missense variant with inconclusive in silico prediction and/or uninformative conservation; Loss of function is a known mechanism of disease in this gene and is associated with polycystic kidney disease 4, with or without hepatic disease (MIM#263200); Variants in this gene are known to have variable expressivity. Significant intra-familial variability has been reported (PMID: 20301501); Parental origin of the variant is unresolved.

Labcorp Genetics (formerly Invitae), Labcorp
Classification: Likely pathogenic for Autosomal recessive polycystic kidney disease. Last evaluated: 2026-01-11. Review status: criteria provided, single submitter. Criteria: Invitae Variant Classification Sherloc (09022015). Collection method: clinical testing. Allele origin: germline.
Comment: This sequence change replaces phenylalanine, which is neutral and non-polar, with leucine, which is neutral and non-polar, at codon 283 of the PKHD1 protein (p.Phe283Leu). This variant is present in population databases (rs375145340, gnomAD 0.03%). This missense change has been observed in individuals with PKHD1-related conditions (PMID: 21407107, 29095814, 33123899). ClinVar contains an entry for this variant (Variation ID: 497776). Invitae Evidence Modeling of protein sequence and biophysical properties (such as structural, functional, and spatial information, amino acid conservation, physicochemical variation, residue mobility, and thermodynamic stability) has been performed for this missense variant. However, the output from this modeling did not meet the statistical confidence thresholds required to predict the impact of this variant on PKHD1 protein function. In summary, the currently available evidence indicates that the variant is pathogenic, but additional data are needed to prove that conclusively. Therefore, this variant has been classified as Likely Pathogenic.

Natera, Inc.
Classification: Likely pathogenic for Autosomal recessive polycystic kidney disease. Last evaluated: 2025-12-19. Review status: criteria provided, single submitter. Criteria: Natera Variant Classification Schema (03/2026). Collection method: clinical testing. Allele origin: germline.
Comment: The c.847T>C variant in PKHD1 is a missense variant predicted to cause substitution of phenylalanine to leucine at amino acid 283. This variant is rare in the general population with a frequency below the threshold expected for the associated phenotype(s). This variant has been observed in one or more individuals affected with the associated recessive disease, as either homozygous or compound heterozygous with a second variant (PMID: 33940108, 29095814). Computational prediction algorithms indicate this variant is likely to affect gene or protein function. Given the available evidence, this variant is classified as Likely Pathogenic.

GeneDx
Classification: Uncertain significance. Last evaluated: 2025-05-28. Review status: criteria provided, single submitter. Criteria: GeneDx Variant Classification Process June 2021. Collection method: clinical testing. Allele origin: germline. Affected: yes.
Comment: In silico analysis supports that this missense variant has a deleterious effect on protein structure/function; This variant is associated with the following publications: (PMID: 21407107, 29095814, 21945273, 20301501, Yan_2016_article, 33123899)

Fulgent Genetics
Classification: Likely pathogenic for Polycystic kidney disease 4. Last evaluated: 2024-05-08. Review status: criteria provided, single submitter. Criteria: ACMG Guidelines, 2015. Collection method: clinical testing. Allele origin: germline.

Eurofins Ntd Llc (ga)
Classification: Uncertain significance. Last evaluated: 2017-10-19. Review status: criteria provided, single submitter. Criteria: EGL Classification Definitions 2015. Collection method: clinical testing. Allele origin: germline. Observed: 2 variant alleles, 2 heterozygotes.

Literature cited by the submitters: PubMed 36691356 (cited by Victorian Clinical Genetics Services, Murdoch Childrens Research Institute); PubMed 21945273 (cited by Victorian Clinical Genetics Services, Murdoch Childrens Research Institute); PubMed 29095814 (cited by 3 submitters); PubMed 33123899 (cited by Victorian Clinical Genetics Services, Murdoch Childrens Research Institute and Labcorp Genetics (formerly Invitae), Labcorp); PubMed 20301501 (cited by Victorian Clinical Genetics Services, Murdoch Childrens Research Institute); PubMed 21407107 (cited by Labcorp Genetics (formerly Invitae), Labcorp); PubMed 33940108 (cited by Natera, Inc.).